The following is an entry in ClinVar:

ClinVar aggregate classification (germline): Likely benign (1 of 4 stars; one submission).

gnomAD v4.1: 13 of 1,614,098 alleles (0.00081%); highest among the groups gnomAD compares: Admixed American, 0.022%; no homozygotes.

Submission:

CeGaT Center for Human Genetics Tuebingen
Classification: Likely benign. Last evaluated: 2026-06-01. Review status: criteria provided, single submitter. Criteria: CeGaT Center For Human Genetics Tuebingen Variant Classification Criteria Version 2. Collection method: clinical testing. Allele origin: germline. Affected: yes. Observed: 2 variant alleles.
Comment: SETD2: BP4, BP7

NM_014159.7(SETD2):c.6360A>G (p.Glu2120=)

Gene: SETD2 (SET domain containing 2, histone lysine methyltransferase; minus strand). Cytogenetic location: 3p21.31.
Variant type: single nucleotide variant.
Coding change: c.6360A>G on transcript NM_014159.7 (MANE Select); coding-DNA position 6360, A replaced by G.
Protein change: p.Glu2120=; no amino-acid change (glutamic acid 2120 retained).
Molecular consequence: synonymous variant. On other transcripts: non-coding transcript variant (1).
Genome position (GRCh38, 1-based): chr3:47,057,424, T>C on the plus strand (A>G on the coding strand, the complement: SETD2 is on the minus strand). VCF-style: chr3-47057424-T-C. GRCh37 (hg19) VCF-style: chr3-47098914-T-C.
Other names: c.6228A>G, p.Glu2076= (NM_001349370.3).
Identifiers: ClinVar variation 4533981 (VCV004533981.6).